The following is an entry in ClinVar:

NM_014484.5(MOCS3):c.788T>C (p.Ile263Thr)

Gene: MOCS3 (molybdenum cofactor synthesis 3; plus strand). Cytogenetic location: 20q13.13.
Variant type: single nucleotide variant.
Coding change: c.788T>C on transcript NM_014484.5 (MANE Select); coding-DNA position 788, T replaced by C.
Protein change: p.Ile263Thr; replaces isoleucine 263 with threonine.
Molecular consequence: missense variant.
Genome position (GRCh38, 1-based): chr20:50,959,630, T>C. VCF-style: chr20-50959630-T-C. GRCh37 (hg19) VCF-style: chr20-49576167-T-C.
Other names: short protein forms I263T.
Identifiers: ClinVar variation 1945480 (VCV001945480.5), dbSNP rs1219353703, ClinGen allele CA408984463.

ClinVar aggregate classification (germline): Uncertain significance (1 of 4 stars; one submission).

Submission:

Labcorp Genetics (formerly Invitae), Labcorp
Classification: Uncertain significance. Last evaluated: 2025-03-20. Review status: criteria provided, single submitter. Criteria: Invitae Variant Classification Sherloc (09022015). Collection method: clinical testing. Allele origin: germline.
Comment: This sequence change replaces isoleucine, which is neutral and non-polar, with threonine, which is neutral and polar, at codon 263 of the MOCS3 protein (p.Ile263Thr). This variant is not present in population databases (gnomAD no frequency). This variant has not been reported in the literature in individuals affected with MOCS3-related conditions. ClinVar contains an entry for this variant (Variation ID: 1945480). An algorithm developed to predict the effect of missense changes on protein structure and function outputs the following: PolyPhen-2: "Benign". The threonine amino acid residue is found in multiple mammalian species, which suggests that this missense change does not adversely affect protein function. In summary, the available evidence is currently insufficient to determine the role of this variant in disease. Therefore, it has been classified as a Variant of Uncertain Significance.